The following is an entry in ClinVar:

ClinVar aggregate classification (germline): Uncertain significance (1 of 4 stars; one submission).

gnomAD v4.1: 1 of 1,611,544 alleles (0.000062%); no homozygotes.

Submission:

Labcorp Genetics (formerly Invitae), Labcorp
Classification: Uncertain significance. Last evaluated: 2024-03-01. Review status: criteria provided, single submitter. Criteria: Invitae Variant Classification Sherloc (09022015). Collection method: clinical testing. Allele origin: germline.
Comment: This sequence change falls in intron 25 of the ITGAM gene. It does not directly change the encoded amino acid sequence of the ITGAM protein. This variant is not present in population databases (gnomAD no frequency). This variant has not been reported in the literature in individuals affected with ITGAM-related conditions. ClinVar contains an entry for this variant (Variation ID: 1354006). Algorithms developed to predict the effect of sequence changes on RNA splicing suggest that this variant may disrupt the consensus splice site. In summary, the available evidence is currently insufficient to determine the role of this variant in disease. Therefore, it has been classified as a Variant of Uncertain Significance.

NM_000632.4(ITGAM):c.2977-15C>A

Gene: ITGAM (integrin subunit alpha M; plus strand). Cytogenetic location: 16p11.2.
Variant type: single nucleotide variant.
Coding change: c.2977-15C>A on transcript NM_000632.4 (MANE Select); 15 bases into the intron before coding-DNA position 2977, C replaced by A.
Molecular consequence: intron variant.
Genome position (GRCh38, 1-based): chr16:31,330,066, C>A. VCF-style: chr16-31330066-C-A. GRCh37 (hg19) VCF-style: chr16-31341387-C-A.
Other names: c.2980-15C>A (NM_001145808.2).
Identifiers: ClinVar variation 1354006 (VCV001354006.8), dbSNP rs750138292, ClinGen allele CA2573152374.